The following is an entry in ClinVar:

ClinVar aggregate classification (germline): Uncertain significance (1 of 4 stars; one submission).

Conditions:
Early Myoclonic Encephalopathy. Identifiers: MedGen C0270855.

Submission:

Labcorp Genetics (formerly Invitae), Labcorp
Classification: Uncertain significance for Early Myoclonic Encephalopathy. Last evaluated: 2024-02-18. Review status: criteria provided, single submitter. Criteria: Invitae Variant Classification Sherloc (09022015). Collection method: clinical testing. Allele origin: germline.
Comment: This sequence change replaces glutamine, which is neutral and polar, with lysine, which is basic and polar, at codon 53 of the KCND2 protein (p.Gln53Lys). This variant is not present in population databases (gnomAD no frequency). This variant has not been reported in the literature in individuals affected with KCND2-related conditions. Advanced modeling of protein sequence and biophysical properties (such as structural, functional, and spatial information, amino acid conservation, physicochemical variation, residue mobility, and thermodynamic stability) performed at Invitae indicates that this missense variant is not expected to disrupt KCND2 protein function with a negative predictive value of 80%. In summary, the available evidence is currently insufficient to determine the role of this variant in disease. Therefore, it has been classified as a Variant of Uncertain Significance.

NM_012281.3(KCND2):c.157C>A (p.Gln53Lys)

Gene: KCND2 (potassium voltage-gated channel subfamily D member 2; plus strand). Cytogenetic location: 7q31.31.
Variant type: single nucleotide variant.
Coding change: c.157C>A on transcript NM_012281.3 (MANE Select); coding-DNA position 157, C replaced by A.
Protein change: p.Gln53Lys; replaces glutamine 53 with lysine.
Molecular consequence: missense variant.
Genome position (GRCh38, 1-based): chr7:120,274,789, C>A. VCF-style: chr7-120274789-C-A. GRCh37 (hg19) VCF-style: chr7-119914843-C-A.
Other names: short protein forms Q53K.
Identifiers: ClinVar variation 3641839 (VCV003641839.2).
Genomic context (GRCh38, chr7:120,274,789, plus strand): 5'-CAGGAGAGGAAAAGGACCCAAGATGCTCTCATTGTGCTGAATGTGAGTGGCACCCGCTTC[C>A]AGACGTGGCAGGACACCCTGGAACGTTACCCAGACACTCTACTGGGCAGTTCTGAGAGGG-3'
Protein context (NP_036413.1, residues 43-63): IVLNVSGTRF[Gln53Lys]TWQDTLERYP